The following is an entry in ClinVar:

NM_201384.3(PLEC):c.6289C>T (p.Arg2097Trp)

Gene: PLEC (plectin; minus strand). Cytogenetic location: 8q24.3.
Variant type: single nucleotide variant.
Coding change: c.6289C>T on transcript NM_201384.3 (MANE Select); coding-DNA position 6289, C replaced by T.
Protein change: p.Arg2097Trp; replaces arginine 2097 with tryptophan.
Molecular consequence: missense variant.
Genome position (GRCh38, 1-based): chr8:143,923,640, G>A on the plus strand (C>T on the coding strand, the complement: PLEC is on the minus strand). VCF-style: chr8-143923640-G-A. GRCh37 (hg19) VCF-style: chr8-144997808-G-A.
Other names: c.6370C>T, p.Arg2124Trp (NM_000445.5); c.6247C>T, p.Arg2083Trp (NM_201378.4); c.6223C>T, p.Arg2075Trp (NM_201379.3); c.6700C>T, p.Arg2234Trp (NM_201380.4); c.6193C>T, p.Arg2065Trp (NM_201381.3); c.6289C>T, p.Arg2097Trp (NM_201382.4); c.6301C>T, p.Arg2101Trp (NM_201383.3); short protein forms R2075W, R2097W, R2101W, R2234W, R2083W, R2124W, R2065W.
Identifiers: ClinVar variation 1412611 (VCV001412611.4), dbSNP rs1362358927, ClinGen allele CA372535890.

ClinVar aggregate classification (germline): Uncertain significance (1 of 4 stars; one submission).

Conditions:
Epidermolysis bullosa simplex 5B, with muscular dystrophy (EBS5B). Also called: EPIDERMOLYSIS BULLOSA SIMPLEX AND LIMB-GIRDLE MUSCULAR DYSTROPHY; Epidermolysis bullosa simplex with muscular dystrophy. Identifiers: Orphanet 257, MedGen C2931072, MONDO:0009181, OMIM 226670.
Epidermolysis bullosa simplex, Ogna type (EBS5A). Also called: EPIDERMOLYSIS BULLOSA SIMPLEX 5A, OGNA TYPE; Pidermolysis bullosa simplex 5A, Ogna type. Identifiers: Orphanet 79401, MedGen C0432317, MONDO:0007555, OMIM 131950.
Epidermolysis bullosa simplex with nail dystrophy (EBS5D). Identifiers: MedGen C4225309, MONDO:0014661, OMIM 616487.
Autosomal recessive limb-girdle muscular dystrophy type 2Q (LGMDR17). Also called: MUSCULAR DYSTROPHY, LIMB-GIRDLE, AUTOSOMAL RECESSIVE 17. Identifiers: Orphanet 254361, MedGen C3150989, MONDO:0013390, OMIM 613723.
Epidermolysis bullosa simplex 5C, with pyloric atresia (EBS5C). Also called: Epidermolysis bullosa simplex with pyloric atresia; PLEC-Related Epidermolysis Bullosa with Pyloric Atresia; PLEC1-Related Epidermolysis Bullosa with Pyloric Atresia. Identifiers: Orphanet 158684, MedGen C2677349, MONDO:0012807, OMIM 612138.

Allele frequency attached by ClinVar (database versions not stated): gnomAD 0.00001.
gnomAD v4.1: 10 of 1,581,366 alleles (0.00063%); highest among the groups gnomAD compares: Admixed American, 0.0017%; no homozygotes.

Submission:

Labcorp Genetics (formerly Invitae), Labcorp
Classification: Uncertain significance for Autosomal recessive limb-girdle muscular dystrophy type 2Q; Epidermolysis bullosa simplex, Ogna type; Epidermolysis bullosa simplex with nail dystrophy; Epidermolysis bullosa simplex 5C, with pyloric atresia; Epidermolysis bullosa simplex 5B, with muscular dystrophy. Last evaluated: 2024-01-22. Review status: criteria provided, single submitter. Criteria: Invitae Variant Classification Sherloc (09022015). Collection method: clinical testing. Allele origin: germline.
Comment: This sequence change replaces arginine, which is basic and polar, with tryptophan, which is neutral and slightly polar, at codon 2124 of the PLEC protein (p.Arg2124Trp). This variant is not present in population databases (gnomAD no frequency). This variant has not been reported in the literature in individuals affected with PLEC-related conditions. ClinVar contains an entry for this variant (Variation ID: 1412611). An algorithm developed to predict the effect of missense changes on protein structure and function (PolyPhen-2) suggests that this variant is likely to be tolerated. In summary, the available evidence is currently insufficient to determine the role of this variant in disease. Therefore, it has been classified as a Variant of Uncertain Significance.